The following is an entry in ClinVar:

ClinVar aggregate classification (germline): Uncertain significance (1 of 4 stars; one submission).

Conditions:
Spastic paraplegia. Identifiers: MedGen C0037772, HP:0001258.

Allele frequency attached by ClinVar (database versions not stated): gnomAD exomes below 0.00001.
gnomAD v4.1: 1 of 1,608,202 alleles (0.000062%); highest among the groups gnomAD compares: Admixed American, 0.0017%; no homozygotes.

Submission:

Labcorp Genetics (formerly Invitae), Labcorp
Classification: Uncertain significance for Spastic paraplegia. Last evaluated: 2024-05-15. Review status: criteria provided, single submitter. Criteria: Invitae Variant Classification Sherloc (09022015). Collection method: clinical testing. Allele origin: germline.
Comment: This sequence change replaces serine, which is neutral and polar, with phenylalanine, which is neutral and non-polar, at codon 858 of the SACS protein (p.Ser858Phe). This variant is present in population databases (no rsID available, gnomAD 0.003%). This variant has not been reported in the literature in individuals affected with SACS-related conditions. ClinVar contains an entry for this variant (Variation ID: 1922238). Advanced modeling of protein sequence and biophysical properties (such as structural, functional, and spatial information, amino acid conservation, physicochemical variation, residue mobility, and thermodynamic stability) performed at Invitae indicates that this missense variant is not expected to disrupt SACS protein function with a negative predictive value of 95%. In summary, the available evidence is currently insufficient to determine the role of this variant in disease. Therefore, it has been classified as a Variant of Uncertain Significance.

NM_014363.6(SACS):c.2573C>T (p.Ser858Phe)

Gene: SACS (sacsin molecular chaperone; minus strand). Cytogenetic location: 13q12.12.
Variant type: single nucleotide variant.
Coding change: c.2573C>T on transcript NM_014363.6 (MANE Select); coding-DNA position 2573, C replaced by T.
Protein change: p.Ser858Phe; replaces serine 858 with phenylalanine.
Molecular consequence: missense variant.
Genome position (GRCh38, 1-based): chr13:23,341,303, G>A on the plus strand (C>T on the coding strand, the complement: SACS is on the minus strand). VCF-style: chr13-23341303-G-A. GRCh37 (hg19) VCF-style: chr13-23915442-G-A.
Other names: c.2132C>T, p.Ser711Phe (NM_001278055.2); short protein forms S858F, S711F.
Identifiers: ClinVar variation 1922238 (VCV001922238.4), dbSNP rs1266035946, ClinGen allele CA387538731.